The following is an entry in ClinVar:

ClinVar aggregate classification (germline): Benign/Likely benign. Review status: criteria provided, multiple submitters, no conflicts (2 of 4 stars). 13 submissions from 13 submitters: Benign (6); Likely benign (4). 3 of the submissions do not count toward it. Last evaluated 2026-02-04.

Conditions:
Fanconi anemia (FA). Also called: Fanconi's anemia. Identifiers: Orphanet 84, MedGen C0015625, MeSH D005199, MONDO:0019391.
Hereditary breast ovarian cancer syndrome. Also called: Hereditary breast and ovarian cancer; BRCA1- and BRCA2-Associated Hereditary Breast and Ovarian Cancer; Hereditary breast and/or ovarian cancer syndrome; Hereditary breast and ovarian cancer syndrome; Hereditary breast and ovarian cancer syndrome (HBOC); Breast and ovarian cancer. Identifiers: Orphanet 145, MedGen C0677776, MeSH D061325, MONDO:0003582. Disease mechanism: loss of function.
Fanconi anemia complementation group D2. Also called: FANCONI PANCYTOPENIA, TYPE 4; FANCONI ANEMIA, COMPLEMENTATION GROUP D; FANCD2-Related Fanconi Anemia. Identifiers: Orphanet 84, MedGen C3160738, MONDO:0009214, OMIM 227646.

Allele frequency attached by ClinVar (database versions not stated): 1000 Genomes Project 0.00819; 1000 Genomes Project 30x 0.00859; TOPMed 0.02136; gnomAD exomes 0.02182 and 0.03079; ExAC 0.02204; gnomAD 0.02228 and 0.02285; ESP Exome Variant Server 0.02568.
gnomAD v4.1: 48,107 of 1,611,202 alleles (3%); highest among the groups gnomAD compares: Non-Finnish European, 3.6%; 860 homozygotes.

Submissions (13):

Labcorp Genetics (formerly Invitae), Labcorp
Classification: Benign for Fanconi anemia. Last evaluated: 2026-02-04. Review status: criteria provided, single submitter. Criteria: Invitae Variant Classification Sherloc (09022015). Collection method: clinical testing. Allele origin: germline.

Mayo Clinic Laboratories, Mayo Clinic
Classification: Likely benign. Last evaluated: 2025-09-15. Review status: criteria provided, single submitter. Criteria: ACMG Guidelines, 2015. Collection method: clinical testing. Allele origin: germline. Observed: 4 variant alleles.
Comment: BS1, BP4_moderate

Blueprint Genetics
Classification: Likely benign. Last evaluated: 2024-11-26. Review status: criteria provided, single submitter. Criteria: ACMG Guidelines, 2015. Collection method: clinical testing. Allele origin: germline.

ARUP Laboratories, Molecular Genetics and Genomics, ARUP Laboratories
Classification: Benign for Fanconi anemia complementation group D2. Last evaluated: 2024-10-30. Review status: criteria provided, single submitter. Criteria: ARUP Molecular Germline Variant Investigation Process 2024. Collection method: clinical testing. Allele origin: germline.

GeneDx
Classification: Likely benign. Last evaluated: 2024-05-31. Review status: criteria provided, single submitter. Criteria: GeneDx Variant Classification Process June 2021. Collection method: clinical testing. Allele origin: germline. Affected: yes.
Comment: See Variant Classification Assertion Criteria.

KCCC/NGS Laboratory, Kuwait Cancer Control Center
Classification: Benign for Fanconi anemia complementation group D2. Last evaluated: 2023-07-07. Review status: criteria provided, single submitter. Criteria: ACMG Guidelines, 2015. Collection method: clinical testing. Allele origin: germline. Affected: yes.

National Health Laboratory Service, Universitas Academic Hospital and University of the Free State
Classification: Benign for Hereditary breast ovarian cancer syndrome. Last evaluated: 2022-04-19. Review status: criteria provided, single submitter. Criteria: ACMG Guidelines, 2015. Collection method: clinical testing. Allele origin: germline. Affected: yes. Observed: 2 variant alleles.

Illumina Laboratory Services, Illumina
Classification: Benign for Fanconi anemia complementation group D2. Last evaluated: 2018-01-12. Review status: criteria provided, single submitter. Criteria: ICSL Variant Classification Criteria 13 December 2019. Collection method: clinical testing. Allele origin: germline.
Comment: This variant was observed in the ICSL laboratory as part of a predisposition screen in an ostensibly healthy population. It had not been previously curated by ICSL or reported in the Human Gene Mutation Database (HGMD: prior to June 1st, 2018), and was therefore a candidate for classification through an automated scoring system. Utilizing variant allele frequency, disease prevalence and penetrance estimates, and inheritance mode, an automated score was calculated to assess if this variant is too frequent to cause the disease. Based on the score and internal cut-off values, a variant classified as benign is not then subjected to further curation. The score for this variant resulted in a classification of benign for this disease.

Breakthrough Genomics
Classification: Likely benign. Review status: criteria provided, single submitter. Criteria: ACMG Guidelines, 2015. Collection method: not provided. Allele origin: germline. Inheritance: Autosomal recessive inheritance. Affected: yes.

PreventionGenetics, part of Exact Sciences
Classification: Benign. Review status: criteria provided, single submitter. Criteria: ACMG Guidelines, 2015. Collection method: clinical testing. Allele origin: germline.

ITMI
No classification provided. Condition: AllHighlyPenetrant. Last evaluated: 2013-09-19. Review status: no classification provided. Collection method: reference population. Allele origin: germline. Not counted in ClinVar's aggregate classification.
Comment: Please see associated publication for description of ethnicities

Genome Diagnostics Laboratory, Amsterdam University Medical Center
Classification: Benign. Review status: no assertion criteria provided. Collection method: clinical testing. Allele origin: germline. Affected: yes. Study: VKGL Data-share Consensus. Not counted in ClinVar's aggregate classification.

Laboratory of Diagnostic Genome Analysis, Leiden University Medical Center (LUMC)
Classification: Likely benign. Review status: no assertion criteria provided. Collection method: clinical testing. Allele origin: germline. Affected: yes. Study: VKGL Data-share Consensus. Not counted in ClinVar's aggregate classification.

Literature cited by the submitters: PubMed 24728327 (cited by ITMI).

NM_001018115.3(FANCD2):c.2702G>T (p.Gly901Val)

Genes: FANCD2 (FA complementation group D2; plus strand), LOC107303338 (3p25 FANCD2 Alu-mediated recombination region; plus strand). Cytogenetic location: 3p25.3.
Variant type: single nucleotide variant.
Coding change: c.2702G>T on transcript NM_001018115.3 (MANE Select); coding-DNA position 2702, G replaced by T.
Protein change: p.Gly901Val; replaces glycine 901 with valine.
Molecular consequence: missense variant.
Genome position (GRCh38, 1-based): chr3:10,073,349, G>T. VCF-style: chr3-10073349-G-T. GRCh37 (hg19) VCF-style: chr3-10115033-G-T.
Other names: NP_001018125.1:p.Gly901Val; c.2702G>T (NM_033084.5, NM_033084.4); c.2702G>T, p.Gly901Val (NM_001319984.2, NM_001374254.1, NM_033084.6); c.2591G>T, p.Gly864Val (NM_001374253.1); short protein forms G901V, G864V.
Identifiers: ClinVar variation 134318 (VCV000134318.28), dbSNP rs35495399, ClinGen allele CA159463.